The following is an entry in ClinVar:

ClinVar aggregate classification (germline): Conflicting classifications of pathogenicity. Review status: criteria provided, conflicting classifications (1 of 4 stars). 5 submissions from 5 submitters: Uncertain significance (3); Likely benign (2). Last evaluated 2026-05-21.

Conditions:
MFSD8-related disorder. Also called: MFSD8-related condition.
Inborn genetic diseases. Identifiers: MedGen C0950123, MeSH D030342.
Neuronal ceroid lipofuscinosis 7 (CLN7). Also called: MFSD8-Related Neuronal Ceroid-Lipofuscinosis. Identifiers: Orphanet 168491, Orphanet 228366, MedGen C1838571, MONDO:0012588, OMIM 610951.

Allele frequency attached by ClinVar (database versions not stated): gnomAD exomes 0.00001 and 0.00004; ExAC 0.00005; gnomAD 0.00007; TOPMed 0.00011; 1000 Genomes Project 30x 0.00016; 1000 Genomes Project 0.00020.
gnomAD v4.1: 30 of 1,614,114 alleles (0.0019%); highest among the groups gnomAD compares: African/African-American, 0.025%; no homozygotes.

Submissions (5):

PreventionGenetics, part of Exact Sciences
Classification: Uncertain significance for MFSD8-related condition. Last evaluated: 2026-05-21. Review status: criteria provided, single submitter. Criteria: ACMG Guidelines, 2015. Collection method: clinical testing. Allele origin: germline.
Comment: The MFSD8 c.1423G>C variant is predicted to result in the amino acid substitution p.Val475Leu. To our knowledge, this variant has not been reported in the literature. This variant is reported in 0.025% of alleles in individuals of African descent in gnomAD. At this time, the clinical significance of this variant is uncertain due to the absence of conclusive functional and genetic evidence.

Ambry Genetics
Classification: Uncertain significance for Inborn genetic diseases. Last evaluated: 2025-03-26. Review status: criteria provided, single submitter. Criteria: Ambry Variant Classification Scheme 2023. Collection method: clinical testing. Allele origin: germline.

Blueprint Genetics
Classification: Likely benign. Last evaluated: 2024-06-04. Review status: criteria provided, single submitter. Criteria: ACMG Guidelines, 2015. Collection method: clinical testing. Allele origin: germline.

Labcorp Genetics (formerly Invitae), Labcorp
Classification: Uncertain significance for Neuronal ceroid lipofuscinosis 7. Last evaluated: 2022-10-17. Review status: criteria provided, single submitter. Criteria: Invitae Variant Classification Sherloc (09022015). Collection method: clinical testing. Allele origin: germline.
Comment: This sequence change replaces valine, which is neutral and non-polar, with leucine, which is neutral and non-polar, at codon 475 of the MFSD8 protein (p.Val475Leu). This variant is present in population databases (rs528664888, gnomAD 0.03%). This variant has not been reported in the literature in individuals affected with MFSD8-related conditions. ClinVar contains an entry for this variant (Variation ID: 947585). Advanced modeling of protein sequence and biophysical properties (such as structural, functional, and spatial information, amino acid conservation, physicochemical variation, residue mobility, and thermodynamic stability) performed at Invitae indicates that this missense variant is not expected to disrupt MFSD8 protein function. In summary, the available evidence is currently insufficient to determine the role of this variant in disease. Therefore, it has been classified as a Variant of Uncertain Significance.

GeneDx
Classification: Likely benign. Last evaluated: 2019-04-29. Review status: criteria provided, single submitter. Criteria: GeneDx Variant Classification Process June 2021. Collection method: clinical testing. Allele origin: germline. Affected: yes.

NM_001371596.2(MFSD8):c.1423G>C (p.Val475Leu)

Gene: MFSD8 (major facilitator superfamily domain containing 8; minus strand). Cytogenetic location: 4q28.2.
Variant type: single nucleotide variant.
Coding change: c.1423G>C on transcript NM_001371596.2 (MANE Select); coding-DNA position 1423, G replaced by C.
Protein change: p.Val475Leu; replaces valine 475 with leucine.
Molecular consequence: missense variant.
Genome position (GRCh38, 1-based): chr4:127,920,764, C>G on the plus strand (G>C on the coding strand, the complement: MFSD8 is on the minus strand). VCF-style: chr4-127920764-C-G. GRCh37 (hg19) VCF-style: chr4-128841919-C-G.
Other names: c.1222G>C, p.Val408Leu (NM_001363520.3); c.1108G>C, p.Val370Leu (NM_001363521.3); c.1288G>C, p.Val430Leu (NM_001371590.2); c.1432G>C, p.Val478Leu (NM_001371591.2); c.1429G>C, p.Val477Leu (NM_001371592.2); c.1309G>C, p.Val437Leu (NM_001371593.2); c.1276G>C, p.Val426Leu (NM_001371594.2); c.1141G>C, p.Val381Leu (NM_001371595.1); and 3 more; short protein forms V437L, V478L, V408L, V430L, V475L, V477L, V370L, V426L.
Identifiers: ClinVar variation 947585 (VCV000947585.10), dbSNP rs528664888, ClinGen allele CA3077225.
Genomic context (GRCh38, chr4:127,920,764, plus strand): 5'-TGAGCACTATTATTCCACACACCAGGCTGAATGCCCATCGTGGTCCCCAGTGAGCATACA[C>G]TTGGCTGATGAACATAGGCCCAAGAATCCGGGCTCCACTTCCAGATGCTGTTAACCAGCC-3'
Protein context (NP_001358525.1, residues 465-485): RILGPMFISQ[Val475Leu]YAHWGPRWAF